The following is an entry in ClinVar:

NM_001174089.2(SLC4A11):c.145del (p.Asp49fs)

Gene: SLC4A11 (solute carrier family 4 member 11; minus strand). Cytogenetic location: 20p13.
Variant type: Deletion.
Coding change: c.145del on transcript NM_001174089.2 (MANE Select); coding-DNA position 145, one base deleted (G; older notation c.145delG).
Protein change: p.Asp49fs; shifts the reading frame from aspartic acid 49.
Molecular consequence: frameshift variant. On other transcripts: non-coding transcript variant (3).
Genome position (GRCh38, 1-based): chr20:3,234,838, C deleted on the plus strand (G on the coding strand, the reverse complement: SLC4A11 is on the minus strand); the first of 5 consecutive C bases (chr20:3,234,838-3,234,842); deleting any one gives the same sequence. VCF-style (leftmost placement, unchanged base first): chr20-3234837-TC-T. GRCh37 (hg19) VCF-style: chr20-3215483-TC-T.
Other names: c.274del, p.Asp92fs (NM_001174090.2, NM_001400280.1); c.145del, p.Asp49fs (NM_001363745.2); c.88del, p.Asp30fs (NM_001400277.1, NM_001400278.1, NM_001400279.1); c.193del, p.Asp65fs (NM_032034.4); short protein forms D30fs, D49fs, D65fs, D92fs.
Identifiers: ClinVar variation 4816305 (VCV004816305.1).

ClinVar aggregate classification (germline): Likely pathogenic (1 of 4 stars; one submission).

Conditions:
Corneal dystrophy-perceptive deafness syndrome (CDPD). Also called: CORNEAL DYSTROPHY AND SENSORINEURAL DEAFNESS; HARBOYAN SYNDROME. Identifiers: Orphanet 1490, MedGen C1857572, MONDO:0009015, OMIM 217400.

Submission:

Natera, Inc.
Classification: Likely pathogenic for Corneal dystrophy-perceptive deafness syndrome. Last evaluated: 2024-11-20. Review status: criteria provided, single submitter. Criteria: Natera Variant Classification Schema (03/2026). Collection method: clinical testing. Allele origin: germline.
Comment: The c.193del variant in SLC4A11 is a frameshift variant predicted to shift the reading frame beginning at codon 65 and leads to a stop codon 51 codons downstream. This variant is expected to result in nonsense mediated decay, truncation, or a dysfunctional protein product. This variant is rare in the general population with a frequency below the threshold expected for the associated phenotype(s). Given the available evidence, this variant is classified as Likely Pathogenic.